The following is an entry in ClinVar:

NM_206933.4(USH2A):c.10922G>A (p.Arg3641Lys)

Gene: USH2A (usherin; minus strand). Cytogenetic location: 1q41.
Variant type: single nucleotide variant.
Coding change: c.10922G>A on transcript NM_206933.4 (MANE Select); coding-DNA position 10922, G replaced by A.
Protein change: p.Arg3641Lys; replaces arginine 3641 with lysine.
Molecular consequence: missense variant.
Genome position (GRCh38, 1-based): chr1:215,779,860, C>T on the plus strand (G>A on the coding strand, the complement: USH2A is on the minus strand). VCF-style: chr1-215779860-C-T. GRCh37 (hg19) VCF-style: chr1-215953202-C-T.
Other names: short protein forms R3641K.
Identifiers: ClinVar variation 48362 (VCV000048362.17), dbSNP rs397517969, ClinGen allele CA143239.
Genomic context (GRCh38, chr1:215,779,860, plus strand): 5'-ACAGACTCCTCCAGTAGGATTTCCTTTTTTTTTGTTTTCTCACCTGTGACCGTATGCTGT[C>T]TCCTGTCAGTGGTGTCAGTGTGGATGAGACCTTTCCCAACCTGCCTGATCTGGTACTCTT-3'
Protein context (NP_996816.3, residues 3631-3651): GLIHTDTTDR[Arg3641Lys]QHTVTGLQPY

ClinVar aggregate classification (germline): Conflicting classifications of pathogenicity. Review status: criteria provided, conflicting classifications (1 of 4 stars). 5 submissions from 5 submitters: Uncertain significance (3); Likely benign (1). 1 of the submissions does not count toward it. Last evaluated 2025-07-01.

Conditions:
Retinitis pigmentosa 39 (RP39). Identifiers: Orphanet 791, MedGen C3151138, MONDO:0013436, OMIM 613809.
Usher syndrome type 2A. Also called: USHER SYNDROME, TYPE IIA; RETINAL DISEASE IN USHER SYNDROME TYPE IIA, MODIFIER OF. Identifiers: Orphanet 231178, Orphanet 886, MedGen C1848634, MONDO:0010169, OMIM 276901.

Allele frequency attached by ClinVar (database versions not stated): TOPMed 0.00002; ExAC 0.00003; gnomAD 0.00003 and 0.00002; gnomAD exomes 0.00003 and 0.00004.
gnomAD v4.1: 62 of 1,613,940 alleles (0.0038%); highest among the groups gnomAD compares: Non-Finnish European, 0.0047%; no homozygotes.

Submissions (5):

CeGaT Center for Human Genetics Tuebingen
Classification: Uncertain significance. Last evaluated: 2025-07-01. Review status: criteria provided, single submitter. Criteria: CeGaT Center For Human Genetics Tuebingen Variant Classification Criteria Version 2. Collection method: clinical testing. Allele origin: germline. Affected: yes. Observed: 1 variant allele.
Comment: USH2A: PM2, BP4

Labcorp Genetics (formerly Invitae), Labcorp
Classification: Uncertain significance. Last evaluated: 2022-06-12. Review status: criteria provided, single submitter. Criteria: Invitae Variant Classification Sherloc (09022015). Collection method: clinical testing. Allele origin: germline.
Comment: This sequence change replaces arginine, which is basic and polar, with lysine, which is basic and polar, at codon 3641 of the USH2A protein (p.Arg3641Lys). This variant is present in population databases (rs397517969, gnomAD 0.007%). This variant has not been reported in the literature in individuals affected with USH2A-related conditions. ClinVar contains an entry for this variant (Variation ID: 48362). Algorithms developed to predict the effect of missense changes on protein structure and function (SIFT, PolyPhen-2, Align-GVGD) all suggest that this variant is likely to be tolerated. In summary, the available evidence is currently insufficient to determine the role of this variant in disease. Therefore, it has been classified as a Variant of Uncertain Significance.

Blueprint Genetics
Classification: Uncertain significance. Last evaluated: 2022-01-20. Review status: criteria provided, single submitter. Criteria: ACMG Guidelines, 2015. Collection method: clinical testing. Allele origin: germline.

Laboratory for Molecular Medicine, Mass General Brigham Personalized Medicine
Classification: Likely benign. Last evaluated: 2012-07-26. Review status: criteria provided, single submitter. Criteria: LMM Criteria. Collection method: clinical testing. Allele origin: germline. Observed: 1 variant allele.
Comment: Arg3641Lys in Exon 55 of USH2A: This variant is not expected to have clinical si gnificance because all computational analyses (biochemical amino acid properties , conservation, AlignGVGD, PolyPhen2, and SIFT) predict no impact to the protein , including the fact that opossum has a lysine (Lys) at this position despite hi gh nearby amino acid conservation.

Counsyl
Classification: Uncertain significance for Usher syndrome type 2A; Retinitis pigmentosa 39. Last evaluated: 2017-04-18. Review status: no assertion criteria provided. Collection method: clinical testing. Allele origin: unknown. Not counted in ClinVar's aggregate classification.